The following is an entry in ClinVar:

ClinVar aggregate classification (germline): Conflicting classifications of pathogenicity. Review status: criteria provided, conflicting classifications (1 of 4 stars). 3 submissions from 3 submitters: Likely pathogenic (1); Uncertain significance (2). Last evaluated 2024-04-02.

Conditions:
Inborn genetic diseases. Identifiers: MedGen C0950123, MeSH D030342.
Epilepsy, idiopathic generalized, susceptibility to, 15 (EIG15). Identifiers: MedGen C5193050, MONDO:0032699, OMIM 618357.

Submissions (3):

Labcorp Genetics (formerly Invitae), Labcorp
Classification: Uncertain significance. Last evaluated: 2024-04-02. Review status: criteria provided, single submitter. Criteria: Invitae Variant Classification Sherloc (09022015). Collection method: clinical testing. Allele origin: germline.
Comment: This sequence change replaces arginine, which is basic and polar, with glutamine, which is neutral and polar, at codon 372 of the RORB protein (p.Arg372Gln). This variant is not present in population databases (gnomAD no frequency). This variant has not been reported in the literature in individuals affected with RORB-related conditions. ClinVar contains an entry for this variant (Variation ID: 1370173). An algorithm developed to predict the effect of missense changes on protein structure and function (PolyPhen-2) suggests that this variant is likely to be disruptive. In summary, the available evidence is currently insufficient to determine the role of this variant in disease. Therefore, it has been classified as a Variant of Uncertain Significance.

Ambry Genetics
Classification: Uncertain significance for Inborn genetic diseases. Last evaluated: 2023-12-12. Review status: criteria provided, single submitter. Criteria: Ambry Variant Classification Scheme 2023. Collection method: clinical testing. Allele origin: germline.
Comment: The c.1115G>A (p.R372Q) alteration is located in coding exon 9 of the RORB gene. This alteration results from a G to A substitution at nucleotide position 1115, causing the arginine (R) at amino acid position 372 to be replaced by a glutamine (Q). This variant was not reported in population-based cohorts in the Genome Aggregation Database (gnomAD). This amino acid position is highly conserved in available vertebrate species. This alteration is predicted to be deleterious by in silico analysis. Based on insufficient or conflicting evidence, the clinical significance of this alteration remains unclear.

Department of Clinical Genetics, Aarhus University Hospital
Classification: Likely pathogenic for Epilepsy, idiopathic generalized, susceptibility to, 15. Review status: criteria provided, single submitter. Criteria: ACMG Guidelines, 2015. Collection method: clinical testing. Allele origin: de novo. Affected: yes.
Comment: The variant is not seen in the gnomAD 4.1 database. In silico prediction tools state that the variant is pathogenic (REVEL, AlphaMissense). Same variant has been reported de novo in an affected individual (PMID: 35982159). According to the ACMG guidelines, this variant is interpreted as likely pathogenic (PP3_mod, PM2_supporting, PS2_moderate, PP2).

Literature cited by the submitters: PubMed 35982159 (cited by Department of Clinical Genetics, Aarhus University Hospital).

NM_006914.4(RORB):c.1115G>A (p.Arg372Gln)

Gene: RORB (RAR related orphan receptor B; plus strand). Cytogenetic location: 9q21.13.
Variant type: single nucleotide variant.
Coding change: c.1115G>A on transcript NM_006914.4 (MANE Select); coding-DNA position 1115, G replaced by A.
Protein change: p.Arg372Gln; replaces arginine 372 with glutamine.
Molecular consequence: missense variant.
Genome position (GRCh38, 1-based): chr9:74,671,792, G>A. VCF-style: chr9-74671792-G-A. GRCh37 (hg19) VCF-style: chr9-77286708-G-A.
Other names: c.1148G>A, p.Arg383Gln (NM_001365023.1); c.1115G>A (NM_006914.3); short protein forms R372Q, R383Q.
Identifiers: ClinVar variation 1370173 (VCV001370173.8), dbSNP rs2118545757, ClinGen allele CA373771597.